The following is an entry in ClinVar:

ClinVar aggregate classification (germline): Likely benign (1 of 4 stars; one submission).

Conditions:
SEMA7A-related disorder. Also called: SEMA7A-related condition.

gnomAD v4.1: 875 of 1,614,146 alleles (0.054%); highest among the groups gnomAD compares: Non-Finnish European, 0.052%; 1 homozygote.

Submission:

PreventionGenetics, part of Exact Sciences
Classification: Likely benign for SEMA7A-related condition. Last evaluated: 2026-05-15. Review status: criteria provided, single submitter. Criteria: ACMG Guidelines, 2015. Collection method: clinical testing. Allele origin: germline.
Comment: This variant is classified as likely benign based on ACMG/AMP sequence variant interpretation guidelines (Richards et al. 2015 PMID: 25741868, with internal and published modifications).

NM_003612.5(SEMA7A):c.1864C>T (p.Arg622Cys)

Gene: SEMA7A (semaphorin 7A (JohnMiltonHagen blood group); minus strand). Cytogenetic location: 15q24.1.
Variant type: single nucleotide variant.
Coding change: c.1864C>T on transcript NM_003612.5 (MANE Select); coding-DNA position 1864, C replaced by T.
Protein change: p.Arg622Cys; replaces arginine 622 with cysteine.
Molecular consequence: missense variant.
Genome position (GRCh38, 1-based): chr15:74,410,761, G>A on the plus strand (C>T on the coding strand, the complement: SEMA7A is on the minus strand). VCF-style: chr15-74410761-G-A. GRCh37 (hg19) VCF-style: chr15-74703102-G-A.
Other names: c.1822C>T, p.Arg608Cys (NM_001146029.3); c.1369C>T, p.Arg457Cys (NM_001146030.3); short protein forms R608C, R622C, R457C.
Identifiers: ClinVar variation 4977330 (VCV004977330.1).